The following is an entry in ClinVar:

ClinVar aggregate classification (germline): Pathogenic (1 of 4 stars; one submission).

Conditions:
Developmental and epileptic encephalopathy, 37 (DEE37). Also called: Epileptic encephalopathy, early infantile, 37. Identifiers: MedGen C4310770, MONDO:0014859, OMIM 616981.

Submission:

Labcorp Genetics (formerly Invitae), Labcorp
Classification: Pathogenic for Developmental and epileptic encephalopathy, 37. Last evaluated: 2021-06-24. Review status: criteria provided, single submitter. Criteria: Invitae Variant Classification Sherloc (09022015). Collection method: clinical testing. Allele origin: germline.
Comment: For these reasons, this variant has been classified as Pathogenic. Algorithms developed to predict the effect of sequence changes on RNA splicing suggest that this variant may create or strengthen a splice site. This variant has not been reported in the literature in individuals affected with FRRS1L-related conditions. The frequency data for this variant in the population databases is considered unreliable, as metrics indicate insufficient coverage at this position in the ExAC database. This sequence change creates a premature translational stop signal (p.Gln6*) in the FRRS1L gene. It is expected to result in an absent or disrupted protein product. Loss-of-function variants in FRRS1L are known to be pathogenic (PMID: 27236917).

Literature cited by the submitters: PubMed 27236917.

NC_000009.12:g.109167276G>A

Gene: FRRS1L (ferric chelate reductase 1 like; minus strand). Cytogenetic location: 9q31.3.
Variant type: single nucleotide variant.
Genome position: GRCh38 VCF-style: chr9-109167276-G-A. GRCh37 (hg19) VCF-style: chr9-111929556-G-A.
Identifiers: ClinVar variation 1427697 (VCV001427697.6), dbSNP rs2118524756, ClinGen allele CA374431197.
Genomic context (GRCh38, chr9:109,167,276, plus strand): 5'-CGCCGAGGCCACCAGCACGCGCCCGCGCAGCCGCGGAGCCTCCCGCACCCCCGCCTCCCT[G>A]CCTCGGTCTGCGCATCCTCGCTCCAGCACCGCAGCCTCCCCCTTCTTCTTGGAACCCCCC-3'